The following is an entry in ClinVar:

NM_001735.3(C5):c.3412C>T (p.Arg1138Ter)

Gene: C5 (complement C5; minus strand). Cytogenetic location: 9q33.2.
Variant type: single nucleotide variant.
Coding change: c.3412C>T on transcript NM_001735.3 (MANE Select); coding-DNA position 3412, C replaced by T.
Protein change: p.Arg1138Ter; replaces arginine 1138 with a stop codon.
Molecular consequence: nonsense.
Genome position (GRCh38, 1-based): chr9:120,981,918, G>A on the plus strand (C>T on the coding strand, the complement: C5 is on the minus strand). VCF-style: chr9-120981918-G-A. GRCh37 (hg19) VCF-style: chr9-123744196-G-A.
Other names: c.3430C>T, p.Arg1144Ter (NM_001317163.2); short protein forms R1144*, R1138*.
Identifiers: ClinVar variation 3673804 (VCV003673804.2).

ClinVar aggregate classification (germline): Pathogenic (1 of 4 stars; one submission).

gnomAD v4.1: 8 of 1,613,694 alleles (0.0005%); highest among the groups gnomAD compares: Non-Finnish European, 0.00059%; no homozygotes.

Submission:

Labcorp Genetics (formerly Invitae), Labcorp
Classification: Pathogenic. Last evaluated: 2024-04-16. Review status: criteria provided, single submitter. Criteria: Invitae Variant Classification Sherloc (09022015). Collection method: clinical testing. Allele origin: germline.
Comment: This sequence change creates a premature translational stop signal (p.Arg1138*) in the C5 gene. It is expected to result in an absent or disrupted protein product. Loss-of-function variants in C5 are known to be pathogenic (PMID: 7730648, 19414197, 27026170). This variant is not present in population databases (gnomAD no frequency). This variant has not been reported in the literature in individuals affected with C5-related conditions. For these reasons, this variant has been classified as Pathogenic.

Literature cited by the submitters: PubMed 7730648; PubMed 19414197; PubMed 27026170.